The following is an entry in ClinVar:

NM_201384.3(PLEC):c.10297G>A (p.Val3433Ile)

Gene: PLEC (plectin; minus strand). Cytogenetic location: 8q24.3.
Variant type: single nucleotide variant.
Coding change: c.10297G>A on transcript NM_201384.3 (MANE Select); coding-DNA position 10297, G replaced by A.
Protein change: p.Val3433Ile; replaces valine 3433 with isoleucine.
Molecular consequence: missense variant.
Genome position (GRCh38, 1-based): chr8:143,919,524, C>T on the plus strand (G>A on the coding strand, the complement: PLEC is on the minus strand). VCF-style: chr8-143919524-C-T. GRCh37 (hg19) VCF-style: chr8-144993692-C-T.
Other names: c.10378G>A, p.Val3460Ile (NM_000445.5); c.10255G>A, p.Val3419Ile (NM_201378.4); c.10231G>A, p.Val3411Ile (NM_201379.3); c.10708G>A, p.Val3570Ile (NM_201380.4); c.10201G>A, p.Val3401Ile (NM_201381.3); c.10297G>A, p.Val3433Ile (NM_201382.4); c.10309G>A, p.Val3437Ile (NM_201383.3); c.10378G>A (NM_000445.3); short protein forms V3401I, V3411I, V3419I, V3433I, V3437I, V3460I, V3570I.
Identifiers: ClinVar variation 1015859 (VCV001015859.9), dbSNP rs782026330, ClinGen allele CA4924694.

ClinVar aggregate classification (germline): Uncertain significance. Review status: criteria provided, multiple submitters, no conflicts (2 of 4 stars). 3 submissions from 3 submitters: Uncertain significance (3). Last evaluated 2024-09-11.

Conditions:
Epidermolysis bullosa simplex 5B, with muscular dystrophy (EBS5B). Also called: EPIDERMOLYSIS BULLOSA SIMPLEX AND LIMB-GIRDLE MUSCULAR DYSTROPHY; Epidermolysis bullosa simplex with muscular dystrophy. Identifiers: Orphanet 257, MedGen C2931072, MONDO:0009181, OMIM 226670.
Epidermolysis bullosa simplex, Ogna type (EBS5A). Also called: EPIDERMOLYSIS BULLOSA SIMPLEX 5A, OGNA TYPE; Pidermolysis bullosa simplex 5A, Ogna type. Identifiers: Orphanet 79401, MedGen C0432317, MONDO:0007555, OMIM 131950.
Epidermolysis bullosa simplex 5C, with pyloric atresia (EBS5C). Also called: Epidermolysis bullosa simplex with pyloric atresia; PLEC-Related Epidermolysis Bullosa with Pyloric Atresia; PLEC1-Related Epidermolysis Bullosa with Pyloric Atresia. Identifiers: Orphanet 158684, MedGen C2677349, MONDO:0012807, OMIM 612138.
Autosomal recessive limb-girdle muscular dystrophy type 2Q (LGMDR17). Also called: MUSCULAR DYSTROPHY, LIMB-GIRDLE, AUTOSOMAL RECESSIVE 17. Identifiers: Orphanet 254361, MedGen C3150989, MONDO:0013390, OMIM 613723.
Epidermolysis bullosa simplex with nail dystrophy (EBS5D). Identifiers: MedGen C4225309, MONDO:0014661, OMIM 616487.
Inborn genetic diseases. Identifiers: MedGen C0950123, MeSH D030342.

Allele frequency attached by ClinVar (database versions not stated): gnomAD 0.00005; ExAC 0.00006; gnomAD exomes 0.00006 and 0.00016; TOPMed 0.00007.

Submissions (3):

Labcorp Genetics (formerly Invitae), Labcorp
Classification: Uncertain significance for Autosomal recessive limb-girdle muscular dystrophy type 2Q; Epidermolysis bullosa simplex, Ogna type; Epidermolysis bullosa simplex with nail dystrophy; Epidermolysis bullosa simplex 5C, with pyloric atresia; Epidermolysis bullosa simplex 5B, with muscular dystrophy. Last evaluated: 2024-09-11. Review status: criteria provided, single submitter. Criteria: Invitae Variant Classification Sherloc (09022015). Collection method: clinical testing. Allele origin: germline.
Comment: This sequence change replaces valine, which is neutral and non-polar, with isoleucine, which is neutral and non-polar, at codon 3460 of the PLEC protein (p.Val3460Ile). This variant is present in population databases (rs782026330, gnomAD 0.02%). This missense change has been observed in individual(s) with clinical features of PLEC-related conditions (internal data). ClinVar contains an entry for this variant (Variation ID: 1015859). An algorithm developed to predict the effect of missense changes on protein structure and function (PolyPhen-2) suggests that this variant is likely to be disruptive. In summary, the available evidence is currently insufficient to determine the role of this variant in disease. Therefore, it has been classified as a Variant of Uncertain Significance.

Ambry Genetics
Classification: Uncertain significance for Inborn genetic diseases. Last evaluated: 2023-06-28. Review status: criteria provided, single submitter. Criteria: Ambry Variant Classification Scheme 2023. Collection method: clinical testing. Allele origin: germline.

Revvity Omics, Revvity
Classification: Uncertain significance. Last evaluated: 2019-09-07. Review status: criteria provided, single submitter. Criteria: ACMG Guidelines, 2015. Collection method: clinical testing. Allele origin: germline.